The following is an entry in ClinVar:

NM_012309.5(SHANK2):c.2260T>A (p.Ser754Thr)

Gene: SHANK2 (SH3 and multiple ankyrin repeat domains 2; minus strand). Cytogenetic location: 11q13.4.
Variant type: single nucleotide variant.
Coding change: c.2260T>A on transcript NM_012309.5 (MANE Select); coding-DNA position 2260, T replaced by A.
Protein change: p.Ser754Thr; replaces serine 754 with threonine.
Molecular consequence: missense variant. On other transcripts: non-coding transcript variant (1), intron variant (1).
Genome position (GRCh38, 1-based): chr11:70,502,224, A>T on the plus strand (T>A on the coding strand, the complement: SHANK2 is on the minus strand). VCF-style: chr11-70502224-A-T. GRCh37 (hg19) VCF-style: chr11-70348329-A-T.
Other names: c.2260T>A, p.Ser754Thr (NM_001441034.1, NM_001441035.1, NM_001441036.1 and 11 more transcripts); c.2188T>A, p.Ser730Thr (NM_001441038.1); c.1123T>A, p.Ser375Thr (NM_001441040.1, NM_001441041.1, NM_001379226.1); c.496T>A, p.Ser166Thr (NM_001441042.1, NM_001441043.1, NM_001441044.1 and 3 more transcripts); c.433+572T>A (NM_001441047.1); c.2431T>A, p.Ser811Thr (NM_001441024.1); short protein forms S166T, S375T, S730T, S754T, S811T.
Identifiers: ClinVar variation 5039799 (VCV005039799.1).

ClinVar aggregate classification (germline): Uncertain significance (1 of 4 stars; one submission).

Submission:

CeGaT Center for Human Genetics Tuebingen
Classification: Uncertain significance. Last evaluated: 2026-07-01. Review status: criteria provided, single submitter. Criteria: CeGaT Center For Human Genetics Tuebingen Variant Classification Criteria Version 2. Collection method: clinical testing. Allele origin: germline. Affected: yes. Observed: 1 variant allele.
Comment: SHANK2: PM2